The following is an entry in ClinVar:

ClinVar aggregate classification (germline): Uncertain significance. Review status: criteria provided, multiple submitters, no conflicts (2 of 4 stars). 2 submissions from 2 submitters: Uncertain significance (2). Last evaluated 2024-08-12.

Conditions:
Malignant hyperthermia, susceptibility to, 5 (MHS5). Also called: CACNA1S-Related Malignant Hyperthermia Susceptibility. Identifiers: Orphanet 423, MedGen C1866077, MONDO:0011163, OMIM 601887.

Allele frequency attached by ClinVar (database versions not stated): gnomAD exomes below 0.00001.
gnomAD v4.1: 1 of 1,614,204 alleles (0.000062%); highest among the groups gnomAD compares: Non-Finnish European, 0.000085%; no homozygotes.

Submissions (2):

GeneDx
Classification: Uncertain significance. Last evaluated: 2024-08-12. Review status: criteria provided, single submitter. Criteria: GeneDx Variant Classification Process June 2021. Collection method: clinical testing. Allele origin: germline. Affected: yes.
Comment: Not observed at significant frequency in large population cohorts (gnomAD); In silico analysis indicates that this missense variant does not alter protein structure/function; Has not been previously published as pathogenic or benign to our knowledge

All of Us Research Program, National Institutes of Health
Classification: Uncertain significance for Malignant hyperthermia, susceptibility to, 5. Last evaluated: 2023-08-28. Review status: criteria provided, single submitter. Criteria: ACMG Guidelines, 2015. Collection method: clinical testing. Allele origin: germline. Inheritance: Autosomal dominant inheritance. Observed: 1 variant allele, 1 heterozygote.
Comment: This missense variant replaces proline with serine at codon 266 of the CACNA1S protein. Computational prediction is inconclusive regarding the impact of this variant on protein structure and function (internally defined REVEL score threshold 0.5 < inconclusive < 0.7, PMID: 27666373). To our knowledge, functional studies have not been reported for this variant. This variant has not been reported in individuals affected with CACNA1S-related disorders in the literature. This variant has not been identified in the general population by the Genome Aggregation Database (gnomAD). The available evidence is insufficient to determine the role of this variant in disease conclusively. Therefore, this variant is classified as a Variant of Uncertain Significance.

This study involves interpretation of variants in research participants for the purpose of population health screening. Participant phenotype was not available at the time of variant classification. Additional details can be found in publication PMID: 35346344, PMCID: PMC8962531

NM_000069.3(CACNA1S):c.796C>T (p.Pro266Ser)

Gene: CACNA1S (calcium voltage-gated channel subunit alpha1 S; minus strand). Cytogenetic location: 1q32.1.
Variant type: single nucleotide variant.
Coding change: c.796C>T on transcript NM_000069.3 (MANE Select); coding-DNA position 796, C replaced by T.
Protein change: p.Pro266Ser; replaces proline 266 with serine.
Molecular consequence: missense variant.
Genome position (GRCh38, 1-based): chr1:201,089,362, G>A on the plus strand (C>T on the coding strand, the complement: CACNA1S is on the minus strand). VCF-style: chr1-201089362-G-A. GRCh37 (hg19) VCF-style: chr1-201058490-G-A.
Other names: c.796C>T (NM_000069.2); short protein forms P266S.
Identifiers: ClinVar variation 3073194 (VCV003073194.2), dbSNP rs2464614439, ClinGen allele CA344135868.